The following is an entry in ClinVar:

ClinVar aggregate classification (germline): Conflicting classifications of pathogenicity. Review status: criteria provided, conflicting classifications (1 of 4 stars). 8 submissions from 8 submitters: Uncertain significance (3); Likely benign (5). Last evaluated 2025-12-01.

Conditions:
TTN-related disorder. Also called: TTN-related condition; TTN-related disease; TTN-related disorders.
Dilated cardiomyopathy 1G (CMD1G). Identifiers: Orphanet 154, MedGen C1858763, MONDO:0011400, OMIM 604145.
Autosomal recessive limb-girdle muscular dystrophy type 2J (LGMDR10). Also called: Limb-girdle muscular dystrophy, type 2J; MUSCULAR DYSTROPHY, LIMB-GIRDLE, AUTOSOMAL RECESSIVE 10. Identifiers: Orphanet 140922, MedGen C1837342, MONDO:0012127, OMIM 608807.

Allele frequency attached by ClinVar (database versions not stated): TOPMed 0.00029; ESP Exome Variant Server 0.00035.
gnomAD v4.1: 572 of 1,604,790 alleles (0.036%); highest among the groups gnomAD compares: Non-Finnish European, 0.045%; 1 homozygote.

Submissions (8):

CeGaT Center for Human Genetics Tuebingen
Classification: Likely benign. Last evaluated: 2025-12-01. Review status: criteria provided, single submitter. Criteria: CeGaT Center For Human Genetics Tuebingen Variant Classification Criteria Version 2. Collection method: clinical testing. Allele origin: germline. Affected: yes. Observed: 3 variant alleles.
Comment: TTN: BP4

PreventionGenetics, part of Exact Sciences
Classification: Likely benign for TTN-related condition. Last evaluated: 2025-08-12. Review status: criteria provided, single submitter. Criteria: ACMG Guidelines, 2015. Collection method: clinical testing. Allele origin: germline.
Comment: This variant is classified as likely benign based on ACMG/AMP sequence variant interpretation guidelines (Richards et al. 2015 PMID: 25741868, with internal and published modifications).

Molecular Diagnostic Laboratory for Inherited Cardiovascular Disease, Montreal Heart Institute
Classification: Likely benign. Last evaluated: 2025-04-09. Review status: criteria provided, single submitter. Criteria: ACMG Guidelines, 2015. Collection method: clinical testing. Allele origin: germline. Affected: no.
Comment: BS1

Women's Health and Genetics/Laboratory Corporation of America, LabCorp
Classification: Likely benign. Last evaluated: 2025-01-30. Review status: criteria provided, single submitter. Criteria: LabCorp Variant Classification Summary - May 2015. Collection method: clinical testing. Allele origin: germline.
Comment: Variant summary: TTN c.31484-1871C>G is located at a position not widely known to affect splicing. This variant corresponds to c.36044C>G (p.Thr12015Arg) in NM_001267550. Several computational tools predict a significant impact on normal splicing: Two predict the variant strengthens a cryptic 3' acceptor site. One predicts the variant no significant impact on splicing. However, these predictions have yet to be confirmed by functional studies. The variant allele was found at a frequency of 0.00036 in 1597802 control chromosomes, predominantly at a frequency of 0.00045 within the Non-Finnish European subpopulation in the gnomAD database, including 1 homozygote. The observed variant frequency within Non-Finnish European control individuals in the gnomAD database is approximately 1.15 fold of the estimated maximal expected allele frequency for a pathogenic variant in TTN causing Dilated Cardiomyopathy phenotype (0.00039).The variant (described as c.36044C>G (p.Thr12015Arg)) has been reported in the literature in individuals affected with cardiac disease phenotypes (e.g. Andersen_2019, Pham_2023), including at least one patient affected with Dilated Cardiomyopathy (DCM), however this patient also carried another likely pathogenic TTN variant, which could explain the phenotype (Pham_2023). These reports do not provide unequivocal conclusions about association of the variant with TTN-related conditions. To our knowledge, no experimental evidence demonstrating an impact on protein function has been reported. The following publications have been ascertained in the context of this evaluation (PMID: 31392414, 37199186). ClinVar contains an entry for this variant (Variation ID: 191988). Based on the evidence outlined above, the variant was classified as likely benign.

Blueprint Genetics
Classification: Likely benign. Last evaluated: 2024-11-21. Review status: criteria provided, single submitter. Criteria: ACMG Guidelines, 2015. Collection method: clinical testing. Allele origin: germline.

ARUP Laboratories, Molecular Genetics and Genomics, ARUP Laboratories
Classification: Uncertain significance. Last evaluated: 2020-06-02. Review status: criteria provided, single submitter. Criteria: ARUP Molecular Germline Variant Investigation Process. Collection method: clinical testing. Allele origin: germline.
Comment: The TTN c.36044C>G; p.Thr12015Arg variant (rs199868380; ClinVar Variation ID: 191988) is rare in the general population (<1% allele frequency in the Genome Aggregation Database) and has not been reported in the medical literature in association with dilated cardiomyopathy (DCM) or other TTN-related disease. The clinical relevance of rare missense variants in this gene, which are identified on average once per individual sequenced in affected populations (Herman 2012), is not well understood. Yet, evidence suggests that the vast majority of such missense variants do not contribute to the clinical outcome of DCM (Begay 2015). Thus, the clinical significance of the p.Thr12015Arg variant cannot be determined with certainty. References: Begay RL et al. Role of Titin Missense Variants in Dilated Cardiomyopathy. J Am Heart Assoc. 2015 Nov 13;4(11). Herman DS et al. Truncations of titin causing dilated cardiomyopathy. N Engl J Med. 2012 Feb 16;366(7):619-28. Linke WA and Hamdani N. Gigantic business: titin properties and function through thick and thin. Circ Res 2014; 114(6): 1052-1068.

Labcorp Genetics (formerly Invitae), Labcorp
Classification: Uncertain significance for Dilated cardiomyopathy 1G; Autosomal recessive limb-girdle muscular dystrophy type 2J. Last evaluated: 2017-12-21. Review status: criteria provided, single submitter. Criteria: Invitae Variant Classification Sherloc (09022015). Collection method: clinical testing. Allele origin: germline.

Biesecker Lab/Clinical Genomics Section, National Institutes of Health
Classification: Uncertain significance. Last evaluated: 2013-06-24. Review status: criteria provided, single submitter. Criteria: Ng et al. (Circ Cardiovasc Genet. 2013). Collection method: research. Allele origin: unknown. Observed: 1 variant allele. Study: ClinSeq.
Comment: The study set was not selected for affection status in relation to any cancer. Pathogenicity categories were based on literature curation. See Pubmed ID:23861362 for details.

Medical sequencing

Literature cited by the submitters: PubMed 31392414 (cited by Women's Health and Genetics/Laboratory Corporation of America, LabCorp); PubMed 37199186 (cited by Women's Health and Genetics/Laboratory Corporation of America, LabCorp).

NM_001267550.2(TTN):c.36044C>G (p.Thr12015Arg)

Gene: TTN (titin; minus strand). Cytogenetic location: 2q31.2.
Variant type: single nucleotide variant.
Coding change: c.36044C>G on transcript NM_001267550.2 (MANE Select); coding-DNA position 36044, C replaced by G.
Protein change: p.Thr12015Arg; replaces threonine 12015 with arginine.
Molecular consequence: missense variant. On other transcripts: intron variant (4).
Genome position (GRCh38, 1-based): chr2:178,664,926, G>C on the plus strand (C>G on the coding strand, the complement: TTN is on the minus strand). VCF-style: chr2-178664926-G-C. GRCh37 (hg19) VCF-style: chr2-179529653-G-C.
Other names: c.13283-22609C>G (NM_003319.4); c.13859-22609C>G (NM_133437.4); c.13658-22609C>G (NM_133432.3); c.34265-1871C>G (NM_001256850.1); c.31484-1871C>G (NM_133378.4); short protein forms T12015R.
Identifiers: ClinVar variation 191988 (VCV000191988.43), dbSNP rs199868380, ClinGen allele CA238035.